The following is an entry in ClinVar:

NM_001848.3(COL6A1):c.738G>A (p.Val246=)

Gene: COL6A1 (collagen type VI alpha 1 chain; plus strand). Cytogenetic location: 21q22.3.
Variant type: single nucleotide variant.
Coding change: c.738G>A on transcript NM_001848.3 (MANE Select); coding-DNA position 738, G replaced by A.
Protein change: p.Val246=; no amino-acid change (valine 246 retained).
Molecular consequence: synonymous variant.
Genome position (GRCh38, 1-based): chr21:45,987,175, G>A. VCF-style: chr21-45987175-G-A. GRCh37 (hg19) VCF-style: chr21-47407089-G-A.
Identifiers: ClinVar variation 3617846 (VCV003617846.2), dbSNP rs1064797287.

ClinVar aggregate classification (germline): Uncertain significance (1 of 4 stars; one submission).

Conditions:
Bethlem myopathy 1A. Also called: Bethlem myopathy 1; MYOPATHY, BENIGN CONGENITAL, WITH CONTRACTURES; Bethlem Muscular Dystrophy. Identifiers: Orphanet 610, MedGen CN029274, MONDO:0024530, OMIM 158810.

Allele frequency attached by ClinVar (database versions not stated): gnomAD exomes below 0.00001.
gnomAD v4.1: 1 of 1,596,684 alleles (0.000063%); highest among the groups gnomAD compares: Non-Finnish European, 0.000085%; no homozygotes.

Submission:

Labcorp Genetics (formerly Invitae), Labcorp
Classification: Uncertain significance for Bethlem myopathy 1A. Last evaluated: 2024-11-15. Review status: criteria provided, single submitter. Criteria: Invitae Variant Classification Sherloc (09022015). Collection method: clinical testing. Allele origin: germline.
Comment: This sequence change affects codon 246 of the COL6A1 mRNA. It is a 'silent' change, meaning that it does not change the encoded amino acid sequence of the COL6A1 protein. This variant also falls at the last nucleotide of exon 6, which is part of the consensus splice site for this exon. This variant is not present in population databases (gnomAD no frequency). This variant has not been reported in the literature in individuals affected with COL6A1-related conditions. ClinVar contains an entry for this variant (Variation ID: 425278). Variants that disrupt the consensus splice site are a relatively common cause of aberrant splicing (PMID: 17576681, 9536098). Algorithms developed to predict the effect of sequence changes on RNA splicing suggest that this variant may disrupt the consensus splice site. In summary, the available evidence is currently insufficient to determine the role of this variant in disease. Therefore, it has been classified as a Variant of Uncertain Significance.

Literature cited by the submitters: PubMed 17576681; PubMed 9536098.